The following is an entry in ClinVar:

ClinVar aggregate classification (germline): Pathogenic. Review status: criteria provided, multiple submitters, no conflicts (2 of 4 stars). 2 submissions from 2 submitters: Pathogenic (2). Last evaluated 2020-12-18.

Conditions:
Marfan syndrome (MFS). Also called: Marfan syndrome, classic; Marfan syndrome type 1; Marfan's syndrome; MARFAN SYNDROME, TYPE I; FBN1-Related Marfan Syndrome. Identifiers: Orphanet 284963, Orphanet 558, MedGen C0024796, MONDO:0007947, OMIM 154700.
Familial thoracic aortic aneurysm and aortic dissection (TAAD). Also called: Thoracic aortic aneurysms and dissections. Identifiers: Orphanet 91387, MedGen C4707243, MONDO:0019625.

Submissions (2):

Labcorp Genetics (formerly Invitae), Labcorp
Classification: Pathogenic for Marfan syndrome; Familial thoracic aortic aneurysm and aortic dissection. Last evaluated: 2020-12-18. Review status: criteria provided, single submitter. Criteria: Invitae Variant Classification Sherloc (09022015). Collection method: clinical testing. Allele origin: germline.
Comment: For these reasons, this variant has been classified as Pathogenic. Loss-of-function variants in FBN1 are known to be pathogenic (PMID: 17657824, 19293843). This variant has not been reported in the literature in individuals with FBN1-related disease. ClinVar contains an entry for this variant (Variation ID: 406340). This variant is not present in population databases (ExAC no frequency). This sequence change creates a premature translational stop signal (p.Cys739Leufs*2) in the FBN1 gene. It is expected to result in an absent or disrupted protein product.

Ambry Genetics
Classification: Pathogenic for Familial thoracic aortic aneurysm and aortic dissection. Last evaluated: 2020-02-03. Review status: criteria provided, single submitter. Criteria: Ambry Variant Classification Scheme 2023. Collection method: clinical testing. Allele origin: germline.
Comment: The c.2213dupT variant, located in coding exon 18 of the FBN1 gene, results from a duplication of T at nucleotide position 2213, causing a translational frameshift with a predicted alternate stop codon (p.C739Lfs*2). This alteration is expected to result in loss of function by premature protein truncation or nonsense-mediated mRNA decay. As such, this alteration is interpreted as a disease-causing mutation.

Literature cited by the submitters: PubMed 17657824 (cited by Labcorp Genetics (formerly Invitae), Labcorp); PubMed 19293843 (cited by Labcorp Genetics (formerly Invitae), Labcorp).

NM_000138.5(FBN1):c.2213dup (p.Cys739fs)

Gene: FBN1 (fibrillin 1; minus strand). Cytogenetic location: 15q21.1.
Variant type: Duplication.
Coding change: c.2213dup on transcript NM_000138.5 (MANE Select); coding-DNA position 2213, one base duplicated (T; older notation c.2213dupT).
Protein change: p.Cys739fs; shifts the reading frame from cysteine 739.
Molecular consequence: frameshift variant.
Genome position (GRCh38, 1-based): chr15:48,497,346, A duplicated on the plus strand (T on the coding strand, the reverse complement: FBN1 is on the minus strand). VCF-style (leftmost placement, unchanged base first): chr15-48497345-G-GA. GRCh37 (hg19) VCF-style: chr15-48789542-G-GA.
Other names: c.2213dupT (NM_000138.4); short protein forms C739fs.
Identifiers: ClinVar variation 406340 (VCV000406340.8), dbSNP rs1555399379, ClinGen allele CA16614441.